The following is an entry in ClinVar:

ClinVar aggregate classification (germline): Uncertain significance (1 of 4 stars; one submission).

Conditions:
Ehlers-Danlos syndrome, classic type, 1 (EDSCL1). Also called: EHLERS-DANLOS SYNDROME, GRAVIS TYPE; EHLERS-DANLOS SYNDROME, SEVERE CLASSIC TYPE; Ehlers-Danlos syndrome, type 1; EDS I; Ehlers-Danlos Syndrome, Classic Type, COL5A1-Related. Identifiers: MedGen C0268335, MONDO:0019567, OMIM 130000.

Submission:

Labcorp Genetics (formerly Invitae), Labcorp
Classification: Uncertain significance for Ehlers-Danlos syndrome, classic type, 1. Last evaluated: 2022-03-23. Review status: criteria provided, single submitter. Criteria: Invitae Variant Classification Sherloc (09022015). Collection method: clinical testing. Allele origin: germline.
Comment: This sequence change replaces aspartic acid, which is acidic and polar, with glutamic acid, which is acidic and polar, at codon 422 of the COL5A1 protein (p.Asp422Glu). This variant is not present in population databases (gnomAD no frequency). This variant has not been reported in the literature in individuals affected with COL5A1-related conditions. Advanced modeling of protein sequence and biophysical properties (such as structural, functional, and spatial information, amino acid conservation, physicochemical variation, residue mobility, and thermodynamic stability) performed at Invitae indicates that this missense variant is not expected to disrupt COL5A1 protein function. In summary, the available evidence is currently insufficient to determine the role of this variant in disease. Therefore, it has been classified as a Variant of Uncertain Significance.

NM_000093.5(COL5A1):c.1266C>G (p.Asp422Glu)

Gene: COL5A1 (collagen type V alpha 1 chain; plus strand). Cytogenetic location: 9q34.3.
Variant type: single nucleotide variant.
Coding change: c.1266C>G on transcript NM_000093.5 (MANE Select); coding-DNA position 1266, C replaced by G.
Protein change: p.Asp422Glu; replaces aspartic acid 422 with glutamic acid.
Molecular consequence: missense variant.
Genome position (GRCh38, 1-based): chr9:134,731,597, C>G. VCF-style: chr9-134731597-C-G. GRCh37 (hg19) VCF-style: chr9-137623443-C-G.
Other names: c.1266C>G, p.Asp422Glu (NM_001278074.1); short protein forms D422E.
Identifiers: ClinVar variation 2116363 (VCV002116363.4), dbSNP rs2490507210, ClinGen allele CA375451020.
Genomic context (GRCh38, chr9:134,731,597, plus strand): 5'-GGAGTTCACTGAGGAAACGATCCGGAACCTTGACGAGAACTACTACGACCCCTACTACGA[C>G]CCCACCAGCTCCCCGTCGGAGATCGGGCCGGGAATGCCGGCGAACCAGGATACCATCTAT-3'
Protein context (NP_000084.3, residues 412-432): LDENYYDPYY[Asp422Glu]PTSSPSEIGP